The following is an entry in ClinVar:

ClinVar aggregate classification (germline): Pathogenic (1 of 4 stars; one submission).

Submission:

Labcorp Genetics (formerly Invitae), Labcorp
Classification: Pathogenic. Last evaluated: 2022-09-23. Review status: criteria provided, single submitter. Criteria: Invitae Variant Classification Sherloc (09022015). Collection method: clinical testing. Allele origin: germline.
Comment: A gross deletion of the genomic region encompassing the full coding sequence of the CLCN5 gene has been identified. Loss-of-function variants in CLCN5 are known to be pathogenic (PMID: 22876375, 25907713). The boundaries of this event are unknown as they extend beyond the assayed region for this gene and therefore may encompass additional genes. A similar copy number variant has been observed in individual(s) with Dent disease (PMID: 15052463). For these reasons, this variant has been classified as Pathogenic.

Literature cited by the submitters: PubMed 22876375; PubMed 25907713; PubMed 15052463.

NC_000023.10:g.(?_49834581)_(49856876_?)del

Gene: CLCN5 (chloride voltage-gated channel 5; plus strand). Cytogenetic location: Xp11.22.
Variant type: Deletion.
Identifiers: ClinVar variation 2422329 (VCV002422329.2).